The following is an entry in ClinVar:

ClinVar aggregate classification (germline): Uncertain significance (1 of 4 stars; one submission).

Conditions:
Fanconi anemia (FA). Also called: Fanconi's anemia. Identifiers: Orphanet 84, MedGen C0015625, MeSH D005199, MONDO:0019391.

gnomAD v4.1: 15 of 1,209,166 alleles (0.0012%); highest among the groups gnomAD compares: Non-Finnish European, 0.0017%; no homozygotes.

Submission:

Labcorp Genetics (formerly Invitae), Labcorp
Classification: Uncertain significance for Fanconi anemia. Last evaluated: 2023-12-31. Review status: criteria provided, single submitter. Criteria: Invitae Variant Classification Sherloc (09022015). Collection method: clinical testing. Allele origin: germline.
Comment: This sequence change replaces serine, which is neutral and polar, with cysteine, which is neutral and slightly polar, at codon 216 of the FANCB protein (p.Ser216Cys). This variant is not present in population databases (gnomAD no frequency). This variant has not been reported in the literature in individuals affected with FANCB-related conditions. ClinVar contains an entry for this variant (Variation ID: 2420911). Advanced modeling of protein sequence and biophysical properties (such as structural, functional, and spatial information, amino acid conservation, physicochemical variation, residue mobility, and thermodynamic stability) has been performed at Invitae for this missense variant, however the output from this modeling did not meet the statistical confidence thresholds required to predict the impact of this variant on FANCB protein function. In summary, the available evidence is currently insufficient to determine the role of this variant in disease. Therefore, it has been classified as a Variant of Uncertain Significance.

NM_001018113.3(FANCB):c.647C>G (p.Ser216Cys)

Gene: FANCB (FA complementation group B; minus strand). Cytogenetic location: Xp22.2.
Variant type: single nucleotide variant.
Coding change: c.647C>G on transcript NM_001018113.3 (MANE Select); coding-DNA position 647, C replaced by G.
Protein change: p.Ser216Cys; replaces serine 216 with cysteine.
Molecular consequence: missense variant.
Genome position (GRCh38, 1-based): chrX:14,864,864, G>C on the plus strand (C>G on the coding strand, the complement: FANCB is on the minus strand). VCF-style: chrX-14864864-G-C. GRCh37 (hg19) VCF-style: chrX-14882986-G-C.
Other names: c.647C>G, p.Ser216Cys (NM_001324162.2, NM_001410764.1, NM_152633.4); short protein forms S216C.
Identifiers: ClinVar variation 2420911 (VCV002420911.5), dbSNP rs2519010653, ClinGen allele CA412444025.